The following is an entry in ClinVar:

ClinVar aggregate classification (germline): Uncertain significance (1 of 4 stars; one submission).

Conditions:
Aicardi-Goutieres syndrome 6 (AGS6). Identifiers: Orphanet 51, MedGen C3539013, MONDO:0014007, OMIM 615010.
Symmetrical dyschromatosis of extremities (DSH). Also called: Dyschromatosis symmetrica hereditaria; DYSCHROMATOSIS SYMMETRICA HEREDITARIA 1; RETICULATE ACROPIGMENTATION OF DOHI; SYMMETRIC DYSCHROMATOSIS OF THE EXTREMITIES. Identifiers: Orphanet 41, MedGen C0406775, MONDO:0007483, OMIM 127400.

gnomAD v4.1: 1 of 1,614,238 alleles (0.000062%); no homozygotes.

Submission:

Labcorp Genetics (formerly Invitae), Labcorp
Classification: Uncertain significance for Aicardi-Goutieres syndrome 6; Symmetrical dyschromatosis of extremities. Last evaluated: 2025-08-09. Review status: criteria provided, single submitter. Criteria: Invitae Variant Classification Sherloc (09022015). Collection method: clinical testing. Allele origin: germline.
Comment: This sequence change replaces lysine, which is basic and polar, with glutamic acid, which is acidic and polar, at codon 300 of the ADAR protein (p.Lys300Glu). This variant is not present in population databases (gnomAD no frequency). This variant has not been reported in the literature in individuals affected with ADAR-related conditions. Invitae Evidence Modeling of protein sequence and biophysical properties (such as structural, functional, and spatial information, amino acid conservation, physicochemical variation, residue mobility, and thermodynamic stability) indicates that this missense variant is not expected to disrupt ADAR protein function with a negative predictive value of 80%. In summary, the available evidence is currently insufficient to determine the role of this variant in disease. Therefore, it has been classified as a Variant of Uncertain Significance.

NM_001111.5(ADAR):c.898A>G (p.Lys300Glu)

Gene: ADAR (adenosine deaminase RNA specific; minus strand). Cytogenetic location: 1q21.3.
Variant type: single nucleotide variant.
Coding change: c.898A>G on transcript NM_001111.5 (MANE Select); coding-DNA position 898, A replaced by G.
Protein change: p.Lys300Glu; replaces lysine 300 with glutamic acid.
Molecular consequence: missense variant.
Genome position (GRCh38, 1-based): chr1:154,601,744, T>C on the plus strand (A>G on the coding strand, the complement: ADAR is on the minus strand). VCF-style: chr1-154601744-T-C. GRCh37 (hg19) VCF-style: chr1-154574220-T-C.
Other names: c.13A>G, p.Lys5Glu (NM_001025107.3, NM_001193495.2, NM_001365046.1 and 3 more transcripts); c.925A>G, p.Lys309Glu (NM_001365045.1); c.898A>G, p.Lys300Glu (NM_015840.4, NM_015841.4); short protein forms K300E, K309E, K5E.
Identifiers: ClinVar variation 4782695 (VCV004782695.1).